The following is an entry in ClinVar:

ClinVar aggregate classification (germline): Uncertain significance (1 of 4 stars; one submission).

Conditions:
Charcot-Marie-Tooth disease type 2. Also called: Charcot-Marie-Tooth type 2. Identifiers: Orphanet 64746, MedGen C0270914, MONDO:0018993.

Allele frequency attached by ClinVar (database versions not stated): gnomAD exomes below 0.00001; TOPMed 0.00001; gnomAD 0.00002.
gnomAD v4.1: 4 of 1,614,120 alleles (0.00025%); highest among the groups gnomAD compares: African/African-American, 0.0053%; no homozygotes.

Submission:

Labcorp Genetics (formerly Invitae), Labcorp
Classification: Uncertain significance for Charcot-Marie-Tooth disease type 2. Last evaluated: 2023-10-03. Review status: criteria provided, single submitter. Criteria: Invitae Variant Classification Sherloc (09022015). Collection method: clinical testing. Allele origin: germline.
Comment: This sequence change replaces histidine, which is basic and polar, with tyrosine, which is neutral and polar, at codon 291 of the BSCL2 protein (p.His291Tyr). This variant is present in population databases (no rsID available, gnomAD 0.02%). This variant has not been reported in the literature in individuals affected with BSCL2-related conditions. Advanced modeling of protein sequence and biophysical properties (such as structural, functional, and spatial information, amino acid conservation, physicochemical variation, residue mobility, and thermodynamic stability) performed at Invitae indicates that this missense variant is not expected to disrupt BSCL2 protein function. In summary, the available evidence is currently insufficient to determine the role of this variant in disease. Therefore, it has been classified as a Variant of Uncertain Significance.

NM_001122955.4(BSCL2):c.1063C>T (p.His355Tyr)

Genes: BSCL2 (BSCL2 lipid droplet biogenesis associated, seipin; minus strand), HNRNPUL2-BSCL2 (HNRNPUL2-BSCL2 readthrough (NMD candidate); minus strand). Cytogenetic location: 11q12.3.
Variant type: single nucleotide variant.
Coding change: c.1063C>T on transcript NM_001122955.4 (MANE Select); coding-DNA position 1063, C replaced by T.
Protein change: p.His355Tyr; replaces histidine 355 with tyrosine.
Molecular consequence: missense variant. On other transcripts: non-coding transcript variant (1), synonymous variant (1).
Genome position (GRCh38, 1-based): chr11:62,691,084, G>A on the plus strand (C>T on the coding strand, the complement: BSCL2 is on the minus strand). VCF-style: chr11-62691084-G-A. GRCh37 (hg19) VCF-style: chr11-62458556-G-A.
Other names: c.729C>T, p.Leu243= (NM_001130702.2); c.1063C>T, p.His355Tyr (NM_001386027.1, NM_001386028.1); c.871C>T, p.His291Tyr (NM_032667.6); short protein forms H291Y, H355Y.
Identifiers: ClinVar variation 2725721 (VCV002725721.3), dbSNP rs1273909538, ClinGen allele CA380957771.